The following is an entry in ClinVar:

NM_006440.5(TXNRD2):c.1535G>A (p.Arg512His)

Gene: TXNRD2 (thioredoxin reductase 2; minus strand). Cytogenetic location: 22q11.21.
Variant type: single nucleotide variant.
Coding change: c.1535G>A on transcript NM_006440.5 (MANE Select); coding-DNA position 1535, G replaced by A.
Protein change: p.Arg512His; replaces arginine 512 with histidine.
Molecular consequence: missense variant. On other transcripts: non-coding transcript variant (1).
Genome position (GRCh38, 1-based): chr22:19,877,145, C>T on the plus strand (G>A on the coding strand, the complement: TXNRD2 is on the minus strand). VCF-style: chr22-19877145-C-T. GRCh37 (hg19) VCF-style: chr22-19864668-C-T.
Other names: c.1532G>A, p.Arg511His (NM_001352300.2); c.1445G>A, p.Arg482His (NM_001352301.2); c.1247G>A, p.Arg416His (NM_001352302.2); c.1535G>A (NM_006440.3); short protein forms R416H, R482H, R511H, R512H.
Identifiers: ClinVar variation 1004501 (VCV001004501.11), dbSNP rs375708279, ClinGen allele CA10103600.

ClinVar aggregate classification (germline): Uncertain significance. Review status: criteria provided, multiple submitters, no conflicts (2 of 4 stars). 3 submissions from 3 submitters: Uncertain significance (3). Last evaluated 2025-11-13.

Conditions:
Cardiovascular phenotype. Identifiers: MedGen CN230736.
Primary dilated cardiomyopathy (DCM). Also called: Dilated Cardiomyopathy. Identifiers: Orphanet 217604, MedGen C0007193, MeSH D002311, MONDO:0005021, HP:0001644. Inheritance: Various modes of inheritance.

Allele frequency attached by ClinVar (database versions not stated): TOPMed 0.00001; gnomAD exomes 0.00003; ExAC 0.00005; ESP Exome Variant Server 0.00016.
gnomAD v4.1: 46 of 1,609,022 alleles (0.0029%); highest among the groups gnomAD compares: South Asian, 0.0044%; no homozygotes.

Submissions (3):

Labcorp Genetics (formerly Invitae), Labcorp
Classification: Uncertain significance for Primary dilated cardiomyopathy. Last evaluated: 2025-11-13. Review status: criteria provided, single submitter. Criteria: Invitae Variant Classification Sherloc (09022015). Collection method: clinical testing. Allele origin: germline.
Comment: This sequence change replaces arginine, which is basic and polar, with histidine, which is basic and polar, at codon 512 of the TXNRD2 protein (p.Arg512His). This variant is present in population databases (rs375708279, gnomAD 0.007%). This variant has not been reported in the literature in individuals affected with TXNRD2-related conditions. ClinVar contains an entry for this variant (Variation ID: 1004501). An algorithm developed to predict the effect of missense changes on protein structure and function (PolyPhen-2) suggests that this variant is likely to be disruptive. In summary, the available evidence is currently insufficient to determine the role of this variant in disease. Therefore, it has been classified as a Variant of Uncertain Significance.

Ambry Genetics
Classification: Uncertain significance for Cardiovascular phenotype. Last evaluated: 2024-11-07. Review status: criteria provided, single submitter. Criteria: Ambry Variant Classification Scheme 2023. Collection method: clinical testing. Allele origin: germline.

GeneDx
Classification: Uncertain significance. Last evaluated: 2024-06-17. Review status: criteria provided, single submitter. Criteria: GeneDx Variant Classification Process June 2021. Collection method: clinical testing. Allele origin: germline. Affected: yes.
Comment: Has not been previously published as pathogenic or benign to our knowledge; Not observed at significant frequency in large population cohorts (gnomAD); In silico analysis supports that this missense variant has a deleterious effect on protein structure/function